The following is an entry in ClinVar:

ClinVar aggregate classification (germline): Uncertain significance (1 of 4 stars; one submission).

Allele frequency attached by ClinVar (database versions not stated): gnomAD exomes below 0.00001.
gnomAD v4.1: 1 of 1,542,646 alleles (0.000065%); highest among the groups gnomAD compares: Admixed American, 0.0019%; no homozygotes.

Submission:

Labcorp Genetics (formerly Invitae), Labcorp
Classification: Uncertain significance. Last evaluated: 2022-06-25. Review status: criteria provided, single submitter. Criteria: Invitae Variant Classification Sherloc (09022015). Collection method: clinical testing. Allele origin: germline.
Comment: This sequence change replaces proline, which is neutral and non-polar, with serine, which is neutral and polar, at codon 1505 of the MAST1 protein (p.Pro1505Ser). This variant is present in population databases (no rsID available, gnomAD 0.004%). This variant has not been reported in the literature in individuals affected with MAST1-related conditions. Algorithms developed to predict the effect of missense changes on protein structure and function (SIFT, PolyPhen-2, Align-GVGD) all suggest that this variant is likely to be tolerated. In summary, the available evidence is currently insufficient to determine the role of this variant in disease. Therefore, it has been classified as a Variant of Uncertain Significance.

NM_014975.3(MAST1):c.4513C>T (p.Pro1505Ser)

Gene: MAST1 (microtubule associated serine/threonine kinase 1; plus strand). Cytogenetic location: 19p13.13.
Variant type: single nucleotide variant.
Coding change: c.4513C>T on transcript NM_014975.3 (MANE Select); coding-DNA position 4513, C replaced by T.
Protein change: p.Pro1505Ser; replaces proline 1505 with serine.
Molecular consequence: missense variant.
Genome position (GRCh38, 1-based): chr19:12,874,670, C>T. VCF-style: chr19-12874670-C-T. GRCh37 (hg19) VCF-style: chr19-12985484-C-T.
Other names: short protein forms P1505S.
Identifiers: ClinVar variation 2005366 (VCV002005366.4), dbSNP rs1454867947, ClinGen allele CA404292423.